The following is an entry in ClinVar:

NM_000256.3(MYBPC3):c.2026G>C (p.Asp676His)

Gene: MYBPC3 (myosin binding protein C3; minus strand). Cytogenetic location: 11p11.2.
Variant type: single nucleotide variant.
Coding change: c.2026G>C on transcript NM_000256.3 (MANE Select); coding-DNA position 2026, G replaced by C.
Protein change: p.Asp676His; replaces aspartic acid 676 with histidine.
Molecular consequence: missense variant.
Genome position (GRCh38, 1-based): chr11:47,339,692, C>G on the plus strand (G>C on the coding strand, the complement: MYBPC3 is on the minus strand). VCF-style: chr11-47339692-C-G. GRCh37 (hg19) VCF-style: chr11-47361243-C-G.
Other names: short protein forms D676H.
Identifiers: ClinVar variation 3723056 (VCV003723056.2).

ClinVar aggregate classification (germline): Uncertain significance (1 of 4 stars; one submission).

Conditions:
Hypertrophic cardiomyopathy. Also called: HYPERTROPHIC MYOCARDIOPATHY. Identifiers: Orphanet 217569, MedGen C0007194, MeSH D002312, MONDO:0005045, HP:0001639.

Submission:

Labcorp Genetics (formerly Invitae), Labcorp
Classification: Uncertain significance for Hypertrophic cardiomyopathy. Last evaluated: 2024-10-16. Review status: criteria provided, single submitter. Criteria: Invitae Variant Classification Sherloc (09022015). Collection method: clinical testing. Allele origin: germline.
Comment: This sequence change replaces aspartic acid, which is acidic and polar, with histidine, which is basic and polar, at codon 676 of the MYBPC3 protein (p.Asp676His). This variant is not present in population databases (gnomAD no frequency). This variant has not been reported in the literature in individuals affected with MYBPC3-related conditions. An algorithm developed to predict the effect of missense changes on protein structure and function (PolyPhen-2) suggests that this variant is likely to be disruptive. In summary, the available evidence is currently insufficient to determine the role of this variant in disease. Therefore, it has been classified as a Variant of Uncertain Significance.